The following is an entry in ClinVar:

ClinVar aggregate classification (germline): Uncertain significance (1 of 4 stars; one submission).

Allele frequency attached by ClinVar (database versions not stated): gnomAD exomes below 0.00001.
gnomAD v4.1: 2 of 1,606,838 alleles (0.00012%); highest among the groups gnomAD compares: South Asian, 0.0011%; no homozygotes.

Submission:

Labcorp Genetics (formerly Invitae), Labcorp
Classification: Uncertain significance. Last evaluated: 2021-10-29. Review status: criteria provided, single submitter. Criteria: Invitae Variant Classification Sherloc (09022015). Collection method: clinical testing. Allele origin: germline.
Comment: This sequence change replaces leucine, which is neutral and non-polar, with phenylalanine, which is neutral and non-polar, at codon 2545 of the SPEG protein (p.Leu2545Phe). This variant is not present in population databases (gnomAD no frequency). This variant has not been reported in the literature in individuals affected with SPEG-related conditions. Algorithms developed to predict the effect of missense changes on protein structure and function (SIFT, PolyPhen-2, Align-GVGD) all suggest that this variant is likely to be tolerated. In summary, the available evidence is currently insufficient to determine the role of this variant in disease. Therefore, it has been classified as a Variant of Uncertain Significance.

NM_005876.5(SPEG):c.7633C>T (p.Leu2545Phe)

Genes: ASIC4-AS1 (ASIC4 antisense RNA 1; minus strand), SPEG (striated muscle enriched protein kinase; plus strand). Cytogenetic location: 2q35.
Variant type: single nucleotide variant.
Coding change: c.7633C>T on transcript NM_005876.5 (MANE Select); coding-DNA position 7633, C replaced by T.
Protein change: p.Leu2545Phe; replaces leucine 2545 with phenylalanine.
Molecular consequence: missense variant.
Genome position (GRCh38, 1-based): chr2:219,485,369, C>T. VCF-style: chr2-219485369-C-T. GRCh37 (hg19) VCF-style: chr2-220350091-C-T.
Other names: short protein forms L2545F.
Identifiers: ClinVar variation 1509583 (VCV001509583.3), dbSNP rs2125565599, ClinGen allele CA350703494.